The following is an entry in ClinVar:

ClinVar aggregate classification (germline): Uncertain significance (1 of 4 stars; one submission).

Submission:

Labcorp Genetics (formerly Invitae), Labcorp
Classification: Uncertain significance. Last evaluated: 2022-01-03. Review status: criteria provided, single submitter. Criteria: Invitae Variant Classification Sherloc (09022015). Collection method: clinical testing. Allele origin: germline.
Comment: This variant, c.3062_3088del, results in the deletion of 9 amino acid(s) of the DUOX2 protein (p.Arg1021_Gln1029del), but otherwise preserves the integrity of the reading frame. This variant is not present in population databases (gnomAD no frequency). This variant has not been reported in the literature in individuals affected with DUOX2-related conditions. Experimental studies and prediction algorithms are not available or were not evaluated, and the functional significance of this variant is currently unknown. In summary, the available evidence is currently insufficient to determine the role of this variant in disease. Therefore, it has been classified as a Variant of Uncertain Significance.

NM_001363711.2(DUOX2):c.3062_3088del (p.Arg1021_Gln1029del)

Gene: DUOX2 (dual oxidase 2; minus strand). Cytogenetic location: 15q21.1.
Variant type: Deletion.
Coding change: c.3062_3088del on transcript NM_001363711.2 (MANE Select); coding-DNA positions 3062 to 3088, 27 bases deleted (GAGGCTTCCTAGCCCAAAAGCTGCAGC).
Protein change: p.Arg1021_Gln1029del.
Molecular consequence: inframe deletion.
Genome position (GRCh38, 1-based): chr15:45,100,146-45,100,172, GCTGCAGCTTTTGGGCTAGGAAGCCTC deleted on the plus strand (GAGGCTTCCTAGCCCAAAAGCTGCAGC on the coding strand, the reverse complement: DUOX2 is on the minus strand); deleting any 27 consecutive bases within chr15:45,100,146-45,100,178 gives the same sequence; the c. name uses the placement nearest the transcript's 3' end. VCF-style (leftmost placement, unchanged base first): chr15-45100145-TGCTGCAGCTTTTGGGCTAGGAAGCCTC-T. GRCh37 (hg19) VCF-style: chr15-45392343-TGCTGCAGCTTTTGGGCTAGGAAGCCTC-T.
Other names: c.3062_3088del, p.Arg1021_Gln1029del (NM_014080.5).
Identifiers: ClinVar variation 1938828 (VCV001938828.2), dbSNP rs1422936071, ClinGen allele CA713136354.
Genomic context (GRCh38, chr15:45,100,145, plus strand): 5'-GCCGAGAAGATTGCCACACACACGATGTGCCTCCGGTAGTTCTCCACGAAGCGCTTGTAC[TGCTGCAGCTTTTGGGCTAGGAAGCCTC>T]GCTGCATCTTCTCTTGCAGCGCCTCTGTGTACAGCCGGGGAGTGGGCACTGCTGCCCTAT-3'